The following is an entry in ClinVar:

NM_001369268.1(ACAN):c.1051+3G>T

Gene: ACAN (aggrecan; plus strand). Cytogenetic location: 15q26.1.
Variant type: single nucleotide variant.
Coding change: c.1051+3G>T on transcript NM_001369268.1 (MANE Select); 3 bases into the intron after coding-DNA position 1051, G replaced by T.
Molecular consequence: intron variant.
Genome position (GRCh38, 1-based): chr15:88,843,651, G>T. VCF-style: chr15-88843651-G-T. GRCh37 (hg19) VCF-style: chr15-89386882-G-T.
Other names: c.1051+3G>T (NM_013227.4, NM_001411097.1, NM_001411096.1 and 1 more transcripts).
Identifiers: ClinVar variation 3722080 (VCV003722080.2).

ClinVar aggregate classification (germline): Uncertain significance (1 of 4 stars; one submission).

Submission:

Labcorp Genetics (formerly Invitae), Labcorp
Classification: Uncertain significance. Last evaluated: 2024-10-02. Review status: criteria provided, single submitter. Criteria: Invitae Variant Classification Sherloc (09022015). Collection method: clinical testing. Allele origin: germline.
Comment: This sequence change falls in intron 6 of the ACAN gene. It does not directly change the encoded amino acid sequence of the ACAN protein. It affects a nucleotide within the consensus splice site. This variant is not present in population databases (gnomAD no frequency). This variant has not been reported in the literature in individuals affected with ACAN-related conditions. Variants that disrupt the consensus splice site are a relatively common cause of aberrant splicing (PMID: 17576681, 9536098). Algorithms developed to predict the effect of sequence changes on RNA splicing suggest that this variant is not likely to affect RNA splicing. In summary, the available evidence is currently insufficient to determine the role of this variant in disease. Therefore, it has been classified as a Variant of Uncertain Significance.

Literature cited by the submitters: PubMed 17576681; PubMed 9536098.